The following is an entry in ClinVar:

NM_025144.4(ALPK1):c.1373C>T (p.Thr458Ile)

Gene: ALPK1 (alpha kinase 1; plus strand). Cytogenetic location: 4q25.
Variant type: single nucleotide variant.
Coding change: c.1373C>T on transcript NM_025144.4 (MANE Select); coding-DNA position 1373, C replaced by T.
Protein change: p.Thr458Ile; replaces threonine 458 with isoleucine.
Molecular consequence: missense variant.
Genome position (GRCh38, 1-based): chr4:112,430,920, C>T. VCF-style: chr4-112430920-C-T. GRCh37 (hg19) VCF-style: chr4-113352076-C-T.
Other names: c.1373C>T, p.Thr458Ile (NM_001102406.2); c.1139C>T, p.Thr380Ile (NM_001253884.2); short protein forms T380I, T458I.
Identifiers: ClinVar variation 3681800 (VCV003681800.2).

ClinVar aggregate classification (germline): Uncertain significance (1 of 4 stars; one submission).

gnomAD v4.1: 1 of 1,614,112 alleles (0.000062%); highest among the groups gnomAD compares: African/African-American, 0.0013%; no homozygotes.

Submission:

Labcorp Genetics (formerly Invitae), Labcorp
Classification: Uncertain significance. Last evaluated: 2025-01-02. Review status: criteria provided, single submitter. Criteria: Invitae Variant Classification Sherloc (09022015). Collection method: clinical testing. Allele origin: germline.
Comment: This sequence change replaces threonine, which is neutral and polar, with isoleucine, which is neutral and non-polar, at codon 458 of the ALPK1 protein (p.Thr458Ile). This variant is not present in population databases (gnomAD no frequency). This variant has not been reported in the literature in individuals affected with ALPK1-related conditions. Invitae Evidence Modeling of protein sequence and biophysical properties (such as structural, functional, and spatial information, amino acid conservation, physicochemical variation, residue mobility, and thermodynamic stability) indicates that this missense variant is not expected to disrupt ALPK1 protein function with a negative predictive value of 80%. In summary, the available evidence is currently insufficient to determine the role of this variant in disease. Therefore, it has been classified as a Variant of Uncertain Significance.